The following is an entry in ClinVar:

ClinVar aggregate classification (germline): Uncertain significance (1 of 4 stars; one submission).

Submission:

Labcorp Genetics (formerly Invitae), Labcorp
Classification: Uncertain significance. Last evaluated: 2022-04-18. Review status: criteria provided, single submitter. Criteria: Invitae Variant Classification Sherloc (09022015). Collection method: clinical testing. Allele origin: germline.
Comment: This sequence change replaces methionine, which is neutral and non-polar, with threonine, which is neutral and polar, at codon 14 of the IRF4 protein (p.Met14Thr). This variant is not present in population databases (gnomAD no frequency). In summary, the available evidence is currently insufficient to determine the role of this variant in disease. Therefore, it has been classified as a Variant of Uncertain Significance. Algorithms developed to predict the effect of missense changes on protein structure and function (SIFT, PolyPhen-2, Align-GVGD) all suggest that this variant is likely to be tolerated. This variant has not been reported in the literature in individuals affected with IRF4-related conditions.

NM_002460.4(IRF4):c.41T>C (p.Met14Thr)

Gene: IRF4 (interferon regulatory factor 4; plus strand). Cytogenetic location: 6p25.3.
Variant type: single nucleotide variant.
Coding change: c.41T>C on transcript NM_002460.4 (MANE Select); coding-DNA position 41, T replaced by C.
Protein change: p.Met14Thr; replaces methionine 14 with threonine.
Molecular consequence: missense variant. On other transcripts: non-coding transcript variant (1).
Genome position (GRCh38, 1-based): chr6:393,193, T>C. VCF-style: chr6-393193-T-C. GRCh37 (hg19) VCF-style: chr6-393193-T-C.
Other names: c.41T>C, p.Met14Thr (NM_001195286.2); short protein forms M14T.
Identifiers: ClinVar variation 2127608 (VCV002127608.4), dbSNP rs1265068205, ClinGen allele CA362546291.